The following is an entry in ClinVar:

NM_002250.3(KCNN4):c.1168C>G (p.Arg390Gly)

Gene: KCNN4 (potassium calcium-activated channel subfamily N member 4; minus strand). Cytogenetic location: 19q13.31.
Variant type: single nucleotide variant.
Coding change: c.1168C>G on transcript NM_002250.3 (MANE Select); coding-DNA position 1168, C replaced by G.
Protein change: p.Arg390Gly; replaces arginine 390 with glycine.
Molecular consequence: missense variant.
Genome position (GRCh38, 1-based): chr19:43,767,659, G>C on the plus strand (C>G on the coding strand, the complement: KCNN4 is on the minus strand). VCF-style: chr19-43767659-G-C. GRCh37 (hg19) VCF-style: chr19-44271811-G-C.
Other names: short protein forms R390G.
Identifiers: ClinVar variation 4693844 (VCV004693844.1).
Genomic context (GRCh38, chr19:43,767,659, plus strand): 5'-GCAGCTCAGTCAGGGCATCCAGCTTCCCCGCCAGCGTGTCAATCTGTTTCTCCAGGGCCC[G>C]GTGTGAGCTGCTCAGATTCTGCTGCAGGTCATACAGGATCATGTGCATCTGGGTGGGAGG-3'
Protein context (NP_002241.1, residues 380-400): DLQQNLSSSH[Arg390Gly]ALEKQIDTLA

ClinVar aggregate classification (germline): Uncertain significance (1 of 4 stars; one submission).

gnomAD v4.1: 16 of 1,614,032 alleles (0.00099%); highest among the groups gnomAD compares: Middle Eastern, 0.016%; no homozygotes.

Submission:

Labcorp Genetics (formerly Invitae), Labcorp
Classification: Uncertain significance. Last evaluated: 2025-08-16. Review status: criteria provided, single submitter. Criteria: Invitae Variant Classification Sherloc (09022015). Collection method: clinical testing. Allele origin: germline.
Comment: This sequence change replaces arginine, which is basic and polar, with glycine, which is neutral and non-polar, at codon 390 of the KCNN4 protein (p.Arg390Gly). This variant is present in population databases (rs200755307, gnomAD 0.003%). This variant has not been reported in the literature in individuals affected with KCNN4-related conditions. Invitae Evidence Modeling of protein sequence and biophysical properties (such as structural, functional, and spatial information, amino acid conservation, physicochemical variation, residue mobility, and thermodynamic stability) indicates that this missense variant is not expected to disrupt KCNN4 protein function with a negative predictive value of 80%. In summary, the available evidence is currently insufficient to determine the role of this variant in disease. Therefore, it has been classified as a Variant of Uncertain Significance.